The following is an entry in ClinVar:

ClinVar aggregate classification (germline): Uncertain significance. Review status: criteria provided, multiple submitters, no conflicts (2 of 4 stars). 2 submissions from 2 submitters: Uncertain significance (2). Last evaluated 2025-09-26.

Conditions:
Hereditary cancer-predisposing syndrome. Also called: Neoplastic Syndromes, Hereditary; Tumor predisposition; Hereditary neoplastic syndrome; Hereditary Cancer Syndrome. Identifiers: Orphanet 140162, MedGen C0027672, MeSH D009386, MONDO:0015356.

Allele frequency attached by ClinVar (database versions not stated): gnomAD exomes below 0.00001; ExAC 0.00001; gnomAD 0.00001; TOPMed 0.00001.
gnomAD v4.1: 3 of 1,610,564 alleles (0.00019%); highest among the groups gnomAD compares: African/African-American, 0.0027%; no homozygotes.

Submissions (2):

Ambry Genetics
Classification: Uncertain significance for Hereditary cancer-predisposing syndrome. Last evaluated: 2025-09-26. Review status: criteria provided, single submitter. Criteria: Ambry Variant Classification Scheme 2023. Collection method: clinical testing. Allele origin: germline.
Comment: The p.K973N variant (also known as c.2919G>C), located in coding exon 18 of the RAD50 gene, results from a G to C substitution at nucleotide position 2919. The lysine at codon 973 is replaced by asparagine, an amino acid with similar properties. This amino acid position is highly conserved in available vertebrate species. In addition, this alteration is predicted to be tolerated by in silico analysis. Since supporting evidence is limited at this time, the clinical significance of this alteration remains unclear.

Labcorp Genetics (formerly Invitae), Labcorp
Classification: Uncertain significance for Hereditary cancer-predisposing syndrome. Last evaluated: 2024-05-06. Review status: criteria provided, single submitter. Criteria: Invitae Variant Classification Sherloc (09022015). Collection method: clinical testing. Allele origin: germline.
Comment: This sequence change replaces lysine, which is basic and polar, with asparagine, which is neutral and polar, at codon 973 of the RAD50 protein (p.Lys973Asn). This variant is present in population databases (rs772570315, gnomAD 0.0009%). This variant has not been reported in the literature in individuals affected with RAD50-related conditions. ClinVar contains an entry for this variant (Variation ID: 641870). Advanced modeling of protein sequence and biophysical properties (such as structural, functional, and spatial information, amino acid conservation, physicochemical variation, residue mobility, and thermodynamic stability) performed at Invitae indicates that this missense variant is not expected to disrupt RAD50 protein function with a negative predictive value of 80%. In summary, the available evidence is currently insufficient to determine the role of this variant in disease. Therefore, it has been classified as a Variant of Uncertain Significance.

NM_005732.4(RAD50):c.2919G>C (p.Lys973Asn)

Gene: RAD50 (RAD50 double strand break repair protein; plus strand). Cytogenetic location: 5q31.1.
Variant type: single nucleotide variant.
Coding change: c.2919G>C on transcript NM_005732.4 (MANE Select); coding-DNA position 2919, G replaced by C.
Protein change: p.Lys973Asn; replaces lysine 973 with asparagine.
Molecular consequence: missense variant.
Genome position (GRCh38, 1-based): chr5:132,609,206, G>C. VCF-style: chr5-132609206-G-C. GRCh37 (hg19) VCF-style: chr5-131944898-G-C.
Other names: short protein forms K973N.
Identifiers: ClinVar variation 641870 (VCV000641870.16), dbSNP rs772570315, ClinGen allele CA3405478.